The following is an entry in ClinVar:

ClinVar aggregate classification (germline): Conflicting classifications of pathogenicity. Review status: criteria provided, conflicting classifications (1 of 4 stars). 4 submissions from 4 submitters: Uncertain significance (3); Likely benign (1). Last evaluated 2024-01-31.

Conditions:
Autosomal recessive limb-girdle muscular dystrophy type 2J (LGMDR10). Also called: Limb-girdle muscular dystrophy, type 2J; MUSCULAR DYSTROPHY, LIMB-GIRDLE, AUTOSOMAL RECESSIVE 10. Identifiers: Orphanet 140922, MedGen C1837342, MONDO:0012127, OMIM 608807.
Dilated cardiomyopathy 1G (CMD1G). Identifiers: Orphanet 154, MedGen C1858763, MONDO:0011400, OMIM 604145.

Allele frequency attached by ClinVar (database versions not stated): gnomAD 0.00001; gnomAD exomes 0.00002 and 0.00004; ExAC 0.00003.
gnomAD v4.1: 28 of 1,612,628 alleles (0.0017%); highest among the groups gnomAD compares: Admixed American, 0.005%; 1 homozygote.

Submissions (4):

Mayo Clinic Laboratories, Mayo Clinic
Classification: Uncertain significance. Last evaluated: 2024-01-31. Review status: criteria provided, single submitter. Criteria: ACMG Guidelines, 2015. Collection method: clinical testing. Allele origin: germline. Observed: 1 variant allele.
Comment: BP1

Revvity Omics, Revvity
Classification: Uncertain significance. Last evaluated: 2023-10-18. Review status: criteria provided, single submitter. Criteria: ACMG Guidelines, 2015. Collection method: clinical testing. Allele origin: germline.

GeneDx
Classification: Likely benign. Last evaluated: 2019-02-06. Review status: criteria provided, single submitter. Criteria: GeneDx Variant Classification Process June 2021. Collection method: clinical testing. Allele origin: germline. Affected: yes.
Comment: See Variant Classification Assertion Criteria.

Labcorp Genetics (formerly Invitae), Labcorp
Classification: Uncertain significance for Dilated cardiomyopathy 1G; Autosomal recessive limb-girdle muscular dystrophy type 2J. Last evaluated: 2017-06-22. Review status: criteria provided, single submitter. Criteria: Invitae Variant Classification Sherloc (09022015). Collection method: clinical testing. Allele origin: germline.

Literature cited by the submitters: PubMed 26573135 (cited by Mayo Clinic Laboratories, Mayo Clinic).

NM_001267550.2(TTN):c.51055C>T (p.Arg17019Cys)

Genes: TTN (titin; minus strand), TTN-AS1 (TTN antisense RNA 1; plus strand). Cytogenetic location: 2q31.2.
Variant type: single nucleotide variant.
Coding change: c.51055C>T on transcript NM_001267550.2 (MANE Select); coding-DNA position 51055, C replaced by T.
Protein change: p.Arg17019Cys; replaces arginine 17019 with cysteine.
Molecular consequence: missense variant.
Genome position (GRCh38, 1-based): chr2:178,611,074, G>A on the plus strand (C>T on the coding strand, the complement: TTN is on the minus strand). VCF-style: chr2-178611074-G-A. GRCh37 (hg19) VCF-style: chr2-179475801-G-A.
Other names: p.Arg15378Cys; c.51055C>T (NM_001267550.1); c.46132C>T, p.Arg15378Cys (NM_001256850.1); c.23860C>T, p.Arg7954Cys (NM_003319.4); c.43351C>T, p.Arg14451Cys (NM_133378.4); c.24235C>T, p.Arg8079Cys (NM_133432.3); c.24436C>T, p.Arg8146Cys (NM_133437.4); short protein forms R17019C, R7954C, R8146C, R14451C, R15378C, R8079C.
Identifiers: ClinVar variation 467230 (VCV000467230.7), dbSNP rs773394284, ClinGen allele CA1994260.